The following is an entry in ClinVar:

NM_001378609.3(OTOGL):c.4601-2A>G

Gene: OTOGL (otogelin like; plus strand). Cytogenetic location: 12q21.31.
Variant type: single nucleotide variant.
Coding change: c.4601-2A>G on transcript NM_001378609.3 (MANE Select); the canonical splice acceptor site of the intron before coding-DNA position 4601, A replaced by G.
Molecular consequence: splice acceptor variant.
Genome position (GRCh38, 1-based): chr12:80,336,411, A>G. VCF-style: chr12-80336411-A-G. GRCh37 (hg19) VCF-style: chr12-80730191-A-G.
Other names: c.4466-2A>G (NM_001368062.3); c.4601-2A>G (NM_001378610.3, NM_173591.7).
Identifiers: ClinVar variation 667383 (VCV000667383.4), dbSNP rs368266167, ClinGen allele CA6701453.
Genomic context (GRCh38, chr12:80,336,411, plus strand): 5'-GCAATTATTACTGAAAATGCAGATAGTTAATAGACTAAATCCACTTTCCACCATTTTTAT[A>G]GGTCGGTGTTCCATGTTGTCAGAACTGAGCATTATTACATTTGATGGAAACAACGCAGCA-3'

ClinVar aggregate classification (germline): Likely pathogenic (1 of 4 stars; one submission).

Conditions:
Rare genetic deafness. Identifiers: Orphanet 96210, MedGen C5680250.

Allele frequency attached by ClinVar (database versions not stated): ExAC 0.00002; gnomAD 0.00002 and 0.00003; gnomAD exomes 0.00002 and 0.00006; TOPMed 0.00002; ESP Exome Variant Server 0.00008.
gnomAD v4.1: 94 of 1,580,810 alleles (0.0059%); highest among the groups gnomAD compares: Non-Finnish European, 0.0079%; no homozygotes.

Submission:

Laboratory for Molecular Medicine, Mass General Brigham Personalized Medicine
Classification: Likely pathogenic for Rare genetic deafness. Last evaluated: 2017-10-06. Review status: criteria provided, single submitter. Criteria: LMM Criteria. Collection method: clinical testing. Allele origin: germline. Inheritance: Autosomal recessive inheritance. Observed: 1 variant allele.
Comment: The c.4574-2A>G (NM_173591.3) variant in OTOGL has not been previously reported in individuals with hearing loss, but has been identified in 1/16,128 East Asian chromosomes by the Genome Aggregation Database (g; dbSNP rs368266167). Although this variant has been seen in the general popula tion, its frequency is low enough to be consistent with a recessive carrier freq uency. This variant occurs in the invariant region (+/- 1,2) of the splice cons ensus sequence and is predicted to cause altered splicing leading to an abnormal or absent protein. Biallelic loss of function of the OTOGL gene has been associ ated with hearing loss. In summary, although additional studies are required to fully establish a null impact, the c.4574-2A>G variant is likely pathogenic for hearing loss in an autosomal recessive manner based on its predicted impact on t he protein. ACMG/AMP Criteria applied: PVS1, PM2 (Richards 2015).